The following is an entry in ClinVar:

NM_001018115.3(FANCD2):c.3535A>G (p.Asn1179Asp)

Genes: FANCD2 (FA complementation group D2; plus strand), FANCD2OS (FANCD2 opposite strand; minus strand). Cytogenetic location: 3p25.3.
Variant type: single nucleotide variant.
Coding change: c.3535A>G on transcript NM_001018115.3 (MANE Select); coding-DNA position 3535, A replaced by G.
Protein change: p.Asn1179Asp; replaces asparagine 1179 with aspartic acid.
Molecular consequence: missense variant. On other transcripts: intron variant (1).
Genome position (GRCh38, 1-based): chr3:10,088,517, A>G. VCF-style: chr3-10088517-A-G. GRCh37 (hg19) VCF-style: chr3-10130201-A-G.
Other names: c.3535A>G, p.Asn1179Asp (NM_001374254.1, NM_033084.6, NM_001319984.2); c.*44-6986T>C (NM_173472.2); c.3424A>G, p.Asn1142Asp (NM_001374253.1); short protein forms N1179D, N1142D.
Identifiers: ClinVar variation 526394 (VCV000526394.10), dbSNP rs949980921, ClinGen allele CA70030426.

ClinVar aggregate classification (germline): Uncertain significance. Review status: criteria provided, multiple submitters, no conflicts (2 of 4 stars). 3 submissions from 3 submitters: Uncertain significance (3). Last evaluated 2025-05-02.

Conditions:
Inborn genetic diseases. Identifiers: MedGen C0950123, MeSH D030342.
Fanconi anemia complementation group D2. Also called: FANCD2-Related Fanconi Anemia; FANCONI PANCYTOPENIA, TYPE 4; FANCONI ANEMIA, COMPLEMENTATION GROUP D. Identifiers: Orphanet 84, MedGen C3160738, MONDO:0009214, OMIM 227646.
Fanconi anemia (FA). Also called: Fanconi's anemia. Identifiers: Orphanet 84, MedGen C0015625, MeSH D005199, MONDO:0019391.

Allele frequency attached by ClinVar (database versions not stated): gnomAD exomes below 0.00001 and 0.00001; gnomAD 0.00001; TOPMed 0.00001.
gnomAD v4.1: 9 of 1,607,092 alleles (0.00056%); highest among the groups gnomAD compares: Middle Eastern, 0.016%; no homozygotes.

Submissions (3):

Labcorp Genetics (formerly Invitae), Labcorp
Classification: Uncertain significance for Fanconi anemia. Last evaluated: 2025-05-02. Review status: criteria provided, single submitter. Criteria: Invitae Variant Classification Sherloc (09022015). Collection method: clinical testing. Allele origin: germline.
Comment: This sequence change replaces asparagine, which is neutral and polar, with aspartic acid, which is acidic and polar, at codon 1179 of the FANCD2 protein (p.Asn1179Asp). This variant is present in population databases (no rsID available, gnomAD 0.0009%). This variant has not been reported in the literature in individuals affected with FANCD2-related conditions. ClinVar contains an entry for this variant (Variation ID: 526394). Invitae Evidence Modeling of protein sequence and biophysical properties (such as structural, functional, and spatial information, amino acid conservation, physicochemical variation, residue mobility, and thermodynamic stability) indicates that this missense variant is expected to disrupt FANCD2 protein function with a positive predictive value of 80%. In summary, the available evidence is currently insufficient to determine the role of this variant in disease. Therefore, it has been classified as a Variant of Uncertain Significance.

Fulgent Genetics
Classification: Uncertain significance for Fanconi anemia complementation group D2. Last evaluated: 2024-01-17. Review status: criteria provided, single submitter. Criteria: ACMG Guidelines, 2015. Collection method: clinical testing. Allele origin: germline.

Ambry Genetics
Classification: Uncertain significance for Inborn genetic diseases. Last evaluated: 2023-02-01. Review status: criteria provided, single submitter. Criteria: Ambry Variant Classification Scheme 2023. Collection method: clinical testing. Allele origin: germline.